The following is an entry in ClinVar:

ClinVar aggregate classification (germline): Uncertain significance (1 of 4 stars; one submission).

Submission:

GeneDx
Classification: Uncertain significance. Last evaluated: 2025-06-22. Review status: criteria provided, single submitter. Criteria: GeneDx Variant Classification Process June 2021. Collection method: clinical testing. Allele origin: germline. Affected: yes.
Comment: Not observed at significant frequency in large population cohorts (gnomAD); In silico analysis suggests that this missense variant does not alter protein structure/function; Has not been previously published as pathogenic or benign to our knowledge

NM_001394062.1(MACF1):c.16543C>G (p.Leu5515Val)

Gene: MACF1 (microtubule actin crosslinking factor 1; plus strand). Cytogenetic location: 1p34.3.
Variant type: single nucleotide variant.
Coding change: c.16543C>G on transcript NM_001394062.1 (MANE Select); coding-DNA position 16543, C replaced by G.
Protein change: p.Leu5515Val; replaces leucine 5515 with valine.
Molecular consequence: missense variant. On other transcripts: intron variant (1).
Genome position (GRCh38, 1-based): chr1:39,428,027, C>G. VCF-style: chr1-39428027-C-G. GRCh37 (hg19) VCF-style: chr1-39893699-C-G.
Other names: c.10357C>G, p.Leu3453Val (NM_012090.5); c.4872+413C>G (NM_001397473.1); short protein forms L3453V, L5515V.
Identifiers: ClinVar variation 4538640 (VCV004538640.1).